The following is an entry in ClinVar:

ClinVar aggregate classification (germline): Uncertain significance (1 of 4 stars; one submission).

Conditions:
Hereditary cancer-predisposing syndrome. Also called: Neoplastic Syndromes, Hereditary; Tumor predisposition; Hereditary neoplastic syndrome; Hereditary Cancer Syndrome. Identifiers: Orphanet 140162, MedGen C0027672, MeSH D009386, MONDO:0015356.
Cardiovascular phenotype. Identifiers: MedGen CN230736.

gnomAD v4.1: 1 of 1,613,216 alleles (0.000062%); highest among the groups gnomAD compares: Non-Finnish European, 0.000085%; no homozygotes.

Submission:

Ambry Genetics
Classification: Uncertain significance for Cardiovascular phenotype; Hereditary cancer-predisposing syndrome. Last evaluated: 2023-12-29. Review status: criteria provided, single submitter. Criteria: Ambry Variant Classification Scheme 2023. Collection method: clinical testing. Allele origin: germline.
Comment: The p.Y728F variant (also known as c.2183A>T), located in coding exon 18 of the LZTR1 gene, results from an A to T substitution at nucleotide position 2183. The tyrosine at codon 728 is replaced by phenylalanine, an amino acid with highly similar properties. This amino acid position is conserved. In addition, this alteration is predicted to be deleterious by in silico analysis. Since supporting evidence is limited at this time, the clinical significance of this alteration remains unclear.

NM_006767.4(LZTR1):c.2183A>T (p.Tyr728Phe)

Gene: LZTR1 (leucine zipper like post translational regulator 1; plus strand). Cytogenetic location: 22q11.21.
Variant type: single nucleotide variant.
Coding change: c.2183A>T on transcript NM_006767.4 (MANE Select); coding-DNA position 2183, A replaced by T.
Protein change: p.Tyr728Phe; replaces tyrosine 728 with phenylalanine.
Molecular consequence: missense variant.
Genome position (GRCh38, 1-based): chr22:20,996,076, A>T. VCF-style: chr22-20996076-A-T. GRCh37 (hg19) VCF-style: chr22-21350365-A-T.
Other names: short protein forms Y728F.
Identifiers: ClinVar variation 3238215 (VCV003238215.1), dbSNP rs2518624671.